The following is an entry in ClinVar:

ClinVar aggregate classification (germline): Uncertain significance (1 of 4 stars; one submission).

Conditions:
Early-infantile DEE. Also called: Early infantile epileptic encephalopathy with suppression bursts; Early infantile epileptic encephalopathy; Ohtahara syndrome. Identifiers: Orphanet 1934, MedGen C0393706, MONDO:0800491.

gnomAD v4.1: 3 of 1,610,916 alleles (0.00019%); highest among the groups gnomAD compares: South Asian, 0.0022%; no homozygotes.

Submission:

Labcorp Genetics (formerly Invitae), Labcorp
Classification: Uncertain significance for Early-infantile DEE. Last evaluated: 2025-04-13. Review status: criteria provided, single submitter. Criteria: Invitae Variant Classification Sherloc (09022015). Collection method: clinical testing. Allele origin: germline.
Comment: This sequence change falls in intron 10 of the SCN8A gene. It does not directly change the encoded amino acid sequence of the SCN8A protein. It affects a nucleotide within the consensus splice site. This variant is not present in population databases (gnomAD no frequency). This variant has not been reported in the literature in individuals affected with SCN8A-related conditions. Variants that disrupt the consensus splice site are a relatively common cause of aberrant splicing (PMID: 17576681, 9536098). Algorithms developed to predict the effect of sequence changes on RNA splicing suggest that this variant is not likely to affect RNA splicing. In summary, the available evidence is currently insufficient to determine the role of this variant in disease. Therefore, it has been classified as a Variant of Uncertain Significance.

Literature cited by the submitters: PubMed 17576681; PubMed 9536098.

NM_001330260.2(SCN8A):c.1341+3T>A

Gene: SCN8A (sodium voltage-gated channel alpha subunit 8; plus strand). Cytogenetic location: 12q13.13.
Variant type: single nucleotide variant.
Coding change: c.1341+3T>A on transcript NM_001330260.2 (MANE Select); 3 bases into the intron after coding-DNA position 1341, T replaced by A.
Molecular consequence: intron variant.
Genome position (GRCh38, 1-based): chr12:51,705,626, T>A. VCF-style: chr12-51705626-T-A. GRCh37 (hg19) VCF-style: chr12-52099410-T-A.
Other names: c.1341+3T>A (NM_014191.4, NM_001177984.3, NM_001369788.1).
Identifiers: ClinVar variation 4702091 (VCV004702091.1).